The following is an entry in ClinVar:

ClinVar aggregate classification (germline): Uncertain significance. Review status: criteria provided, multiple submitters, no conflicts (2 of 4 stars). 2 submissions from 2 submitters: Uncertain significance (2). Last evaluated 2026-01-02.

Conditions:
Long QT syndrome (LQTS). Identifiers: MedGen C0023976, MeSH D008133, MONDO:0002442. Disease mechanism: loss of function. Inheritance: Various modes of inheritance.

Allele frequency attached by ClinVar (database versions not stated): gnomAD exomes below 0.00001.
gnomAD v4.1: 3 of 1,614,098 alleles (0.00019%); highest among the groups gnomAD compares: Admixed American, 0.0033%; no homozygotes.

Submissions (2):

Dasa
Classification: Uncertain significance. Last evaluated: 2026-01-02. Review status: criteria provided, single submitter. Criteria: DASA Assertion Criteria. Collection method: clinical testing. Allele origin: germline.
Comment: NM_001148.6(ANK2):c.9461C>T (p.Ala3154Val) is a missense variant that results in the substitution of alanine with valine. This variant is rare in population databases. Computational prediction algorithms are consistent with a benign effect. The currently available literature and clinical evidence are not sufficient to establish a definitive association between this variant and the reported condition. Therefore, this variant is classified as a variant of uncertain significance.

Labcorp Genetics (formerly Invitae), Labcorp
Classification: Uncertain significance for Long QT syndrome. Last evaluated: 2024-10-09. Review status: criteria provided, single submitter. Criteria: Invitae Variant Classification Sherloc (09022015). Collection method: clinical testing. Allele origin: germline.
Comment: This sequence change replaces alanine, which is neutral and non-polar, with valine, which is neutral and non-polar, at codon 3154 of the ANK2 protein (p.Ala3154Val). This variant is not present in population databases (gnomAD no frequency). This variant has not been reported in the literature in individuals affected with ANK2-related conditions. ClinVar contains an entry for this variant (Variation ID: 1026762). An algorithm developed to predict the effect of missense changes on protein structure and function outputs the following: PolyPhen-2: "Benign". The valine amino acid residue is found in multiple mammalian species, which suggests that this missense change does not adversely affect protein function. In summary, the available evidence is currently insufficient to determine the role of this variant in disease. Therefore, it has been classified as a Variant of Uncertain Significance.

NM_001148.6(ANK2):c.9461C>T (p.Ala3154Val)

Gene: ANK2 (ankyrin 2; plus strand). Cytogenetic location: 4q26.
Variant type: single nucleotide variant.
Coding change: c.9461C>T on transcript NM_001148.6 (MANE Select); coding-DNA position 9461, C replaced by T.
Protein change: p.Ala3154Val; replaces alanine 3154 with valine.
Molecular consequence: missense variant. On other transcripts: intron variant (68).
Genome position (GRCh38, 1-based): chr4:113,358,079, C>T. VCF-style: chr4-113358079-C-T. GRCh37 (hg19) VCF-style: chr4-114279235-C-T.
Other names: c.9227C>T, p.Ala3076Val (NM_001386142.1); c.5861C>T, p.Ala1954Val (NM_001386166.1); c.9602C>T, p.Ala3201Val (NM_001386174.1); c.9578C>T, p.Ala3193Val (NM_001386175.1); c.4412-2744C>T (NM_001386186.2, NM_001386148.2); c.4214-2744C>T (NM_001354269.3); c.4292-2744C>T (NM_001386187.2); c.4253-2744C>T (NM_001386147.1); and 35 more; short protein forms A1954V, A3076V, A3154V, A3193V, A3201V.
Identifiers: ClinVar variation 1026762 (VCV001026762.7), dbSNP rs1054381464, ClinGen allele CA103817446.